The following is an entry in ClinVar:

ClinVar aggregate classification (germline): Uncertain significance. Review status: criteria provided, multiple submitters, no conflicts (2 of 4 stars). 2 submissions from 2 submitters: Uncertain significance (2). Last evaluated 2023-02-03.

Conditions:
Inborn genetic diseases. Identifiers: MedGen C0950123, MeSH D030342.
Pseudohypoaldosteronism type 2C (PHA2C). Also called: Pseudohypoaldosteronism Type IIC. Identifiers: Orphanet 757, Orphanet 88940, MedGen C1840391, MONDO:0013778, OMIM 614492.
Neuropathy, hereditary sensory and autonomic, type 2A (HSAN2A). Also called: ACROOSTEOLYSIS, GIACCAI TYPE; ACROOSTEOLYSIS, NEUROGENIC; MORVAN DISEASE; NEUROPATHY, CONGENITAL SENSORY; NEUROPATHY, HEREDITARY SENSORY RADICULAR, AUTOSOMAL RECESSIVE; HSAN IIA. Identifiers: Orphanet 970, MedGen C2752089, MONDO:0024309, OMIM 201300.

Allele frequency attached by ClinVar (database versions not stated): TOPMed 0.00002.
gnomAD v4.1: 2 of 1,612,722 alleles (0.00012%); highest among the groups gnomAD compares: Non-Finnish European, 0.00017%; no homozygotes.

Submissions (2):

Labcorp Genetics (formerly Invitae), Labcorp
Classification: Uncertain significance for Neuropathy, hereditary sensory and autonomic, type 2A; Pseudohypoaldosteronism type 2C. Last evaluated: 2023-02-03. Review status: criteria provided, single submitter. Criteria: Invitae Variant Classification Sherloc (09022015). Collection method: clinical testing. Allele origin: germline.
Comment: This sequence change replaces glutamine, which is neutral and polar, with arginine, which is basic and polar, at codon 949 of the WNK1 protein (p.Gln949Arg). This variant is not present in population databases (gnomAD no frequency). This variant has not been reported in the literature in individuals affected with WNK1-related conditions. ClinVar contains an entry for this variant (Variation ID: 1796770). Advanced modeling of protein sequence and biophysical properties (such as structural, functional, and spatial information, amino acid conservation, physicochemical variation, residue mobility, and thermodynamic stability) performed at Invitae indicates that this missense variant is not expected to disrupt WNK1 protein function. In summary, the available evidence is currently insufficient to determine the role of this variant in disease. Therefore, it has been classified as a Variant of Uncertain Significance.

Ambry Genetics
Classification: Uncertain significance for Inborn genetic diseases. Last evaluated: 2019-08-29. Review status: criteria provided, single submitter. Criteria: Ambry Variant Classification Scheme 2023. Collection method: clinical testing. Allele origin: germline.
Comment: The p.Q949R variant (also known as c.2846A>G), located in coding exon 10 of the WNK1 gene, results from an A to G substitution at nucleotide position 2846. The glutamine at codon 949 is replaced by arginine, an amino acid with highly similar properties. This amino acid position is not well conserved in available vertebrate species. In addition, this alteration is predicted to be tolerated by in silico analysis. Since supporting evidence is limited at this time, the clinical significance of this alteration remains unclear.

NM_213655.5(WNK1):c.2846A>G (p.Gln949Arg)

Gene: WNK1 (WNK lysine deficient protein kinase 1; plus strand). Cytogenetic location: 12p13.33.
Variant type: single nucleotide variant.
Coding change: c.2846A>G on transcript NM_213655.5 (MANE Plus Clinical); coding-DNA position 2846, A replaced by G.
Protein change: p.Gln949Arg; replaces glutamine 949 with arginine.
Molecular consequence: missense variant. On other transcripts: intron variant (2).
Genome position (GRCh38, 1-based): chr12:868,317, A>G. VCF-style: chr12-868317-A-G. GRCh37 (hg19) VCF-style: chr12-977483-A-G.
Other names: c.2591A>G, p.Gln864Arg (NM_001184985.2); c.2140-2948A>G (NM_018979.4, NM_014823.3); short protein forms Q864R, Q949R.
Identifiers: ClinVar variation 1796770 (VCV001796770.5), dbSNP rs1419294648, ClinGen allele CA383339740.
Genomic context (GRCh38, chr12:868,317, plus strand): 5'-TTATTCCTCAGGAAGCAGTGTATGTAGCTGGGGTACATTACCAGGCCCGGGTGGCAGAAC[A>G]GTATGAGGGCATTCCATACAACTCATCAGTACTGTCAAGTCCTATGAAACAGATACCTGA-3'
Protein context (NP_998820.3, residues 939-959): GVHYQARVAE[Gln949Arg]YEGIPYNSSV